The following is an entry in ClinVar:

NM_000051.4(ATM):c.3678_3683del (p.Asp1226_Thr1227del)

Gene: ATM (ATM serine/threonine kinase; plus strand). Cytogenetic location: 11q22.3.
Variant type: Deletion.
Coding change: c.3678_3683del on transcript NM_000051.4 (MANE Select); coding-DNA positions 3678 to 3683, 6 bases deleted (TACTGA; older notation c.3678_3683delTACTGA).
Protein change: p.Asp1226_Thr1227del.
Genome position (GRCh38, 1-based): chr11:108,282,811-108,282,816, TACTGA deleted; deleting any 6 consecutive bases within chr11:108,282,809-108,282,816 gives the same sequence; the c. name uses the placement nearest the transcript's 3' end. VCF-style (leftmost placement, unchanged base first): chr11-108282808-AGATACT-A. GRCh37 (hg19) VCF-style: chr11-108153535-AGATACT-A.
Other names: c.3678_3683del, p.Asp1226_Thr1227del (NM_001351834.2).
Identifiers: ClinVar variation 5031270 (VCV005031270.1).

ClinVar aggregate classification (germline): Uncertain significance (1 of 4 stars; one submission).

Conditions:
Hereditary cancer-predisposing syndrome. Also called: Neoplastic Syndromes, Hereditary; Tumor predisposition; Hereditary neoplastic syndrome; Hereditary Cancer Syndrome. Identifiers: Orphanet 140162, MedGen C0027672, MeSH D009386, MONDO:0015356.

Submission:

Ambry Genetics
Classification: Uncertain significance for Hereditary cancer-predisposing syndrome. Last evaluated: 2026-06-18. Review status: criteria provided, single submitter. Criteria: Ambry Variant Classification Scheme 2023. Collection method: clinical testing. Allele origin: germline.
Comment: The c.3678_3683delTACTGA variant (also known as p.D1226_T1227del) is located in coding exon 24 of the ATM gene. This variant results from an in-frame TACTGA deletion at nucleotide positions 3678 to 3683. This results in the in-frame deletion of 2 amino acids (DT) at codons 1226 and 1227. These amino acid positions are not well conserved in available vertebrate species. In addition, the in silico prediction for this variant is inconclusive (Choi Y et al. PLoS ONE. 2012; 7(10):e46688). Based on the available evidence, the clinical significance of this variant remains unclear.